The following is an entry in ClinVar:

NM_007317.3(KIF22):c.24G>C (p.Gln8His)

Gene: KIF22 (kinesin family member 22; plus strand). Cytogenetic location: 16p11.2.
Variant type: single nucleotide variant.
Coding change: c.24G>C on transcript NM_007317.3 (MANE Select); coding-DNA position 24, G replaced by C.
Protein change: p.Gln8His; replaces glutamine 8 with histidine.
Molecular consequence: missense variant. On other transcripts: 5 prime UTR variant (1).
Genome position (GRCh38, 1-based): chr16:29,790,783, G>C. VCF-style: chr16-29790783-G-C. GRCh37 (hg19) VCF-style: chr16-29802104-G-C.
Other names: c.-230G>C (NM_001256269.2); short protein forms Q8H.
Identifiers: ClinVar variation 1395286 (VCV001395286.6), dbSNP rs776056500, ClinGen allele CA7992861.

ClinVar aggregate classification (germline): Uncertain significance (1 of 4 stars; one submission).

Allele frequency attached by ClinVar (database versions not stated): gnomAD exomes below 0.00001; ExAC 0.00002.

Submission:

Labcorp Genetics (formerly Invitae), Labcorp
Classification: Uncertain significance. Last evaluated: 2024-04-10. Review status: criteria provided, single submitter. Criteria: Invitae Variant Classification Sherloc (09022015). Collection method: clinical testing. Allele origin: germline.
Comment: This sequence change replaces glutamine, which is neutral and polar, with histidine, which is basic and polar, at codon 8 of the KIF22 protein (p.Gln8His). This variant is present in population databases (rs776056500, gnomAD 0.001%). This variant has not been reported in the literature in individuals affected with KIF22-related conditions. ClinVar contains an entry for this variant (Variation ID: 1395286). An algorithm developed to predict the effect of missense changes on protein structure and function (PolyPhen-2) suggests that this variant is likely to be tolerated. In summary, the available evidence is currently insufficient to determine the role of this variant in disease. Therefore, it has been classified as a Variant of Uncertain Significance.